The following is an entry in ClinVar:

ClinVar aggregate classification (germline): Uncertain significance (1 of 4 stars; one submission).

Conditions:
Autosomal recessive Alport syndrome (ATS2). Also called: COL4A4 Alport Syndrome and Thin Basement Membrane Nephropathy; ALPORT SYNDROME 2, AUTOSOMAL RECESSIVE; Alport syndrome type 2; COL4A3-Related Nephropathy. Identifiers: Orphanet 63, Orphanet 88919, MedGen C4746745, MONDO:0008762, OMIM 203780.

Allele frequency attached by ClinVar (database versions not stated): gnomAD exomes below 0.00001; ExAC 0.00001.
gnomAD v4.1: 1 of 1,573,724 alleles (0.000064%); highest among the groups gnomAD compares: East Asian, 0.0022%; no homozygotes.

Submission:

MVZ Medizinische Genetik Mainz
Classification: Uncertain significance for Autosomal recessive Alport syndrome. Last evaluated: 2024-01-19. Review status: criteria provided, single submitter. Criteria: UK Practice Guidelines For Variant Classification V4 01 2020. Collection method: clinical testing. Allele origin: germline. Inheritance: Autosomal dominant inheritance. Affected: yes. Observed: 1 variant allele.
Comment: ACMG Criteria: PS3_SUP,PM2_SUP,PP1,PP3,PP4

NM_000092.5(COL4A4):c.2056+3A>G

Gene: COL4A4 (collagen type IV alpha 4 chain; minus strand). Cytogenetic location: 2q36.3.
Variant type: single nucleotide variant.
Coding change: c.2056+3A>G on transcript NM_000092.5 (MANE Select); 3 bases into the intron after coding-DNA position 2056, A replaced by G.
Molecular consequence: intron variant.
Genome position (GRCh38, 1-based): chr2:227,062,527, T>C on the plus strand (A>G on the coding strand, the complement: COL4A4 is on the minus strand). VCF-style: chr2-227062527-T-C. GRCh37 (hg19) VCF-style: chr2-227927243-T-C.
Identifiers: ClinVar variation 3236257 (VCV003236257.1), dbSNP rs746123653, ClinGen allele CA2144975.